The following is an entry in ClinVar:

ClinVar aggregate classification (germline): Likely pathogenic. Review status: criteria provided, multiple submitters, no conflicts (2 of 4 stars). 2 submissions from 2 submitters: Likely pathogenic (2). Last evaluated 2023-12-28.

Conditions:
Donnai-Barrow syndrome. Also called: DBS/FOAR SYNDROME; FACIOOCULOACOUSTICORENAL SYNDROME. Identifiers: Orphanet 2143, MedGen C1857277, MONDO:0009104, OMIM 222448.

Allele frequency attached by ClinVar (database versions not stated): gnomAD exomes below 0.00001.
gnomAD v4.1: 3 of 1,613,098 alleles (0.00019%); highest among the groups gnomAD compares: Non-Finnish European, 0.00017%; no homozygotes.

Submissions (2):

Fulgent Genetics
Classification: Likely pathogenic for Donnai-Barrow syndrome. Last evaluated: 2023-12-28. Review status: criteria provided, single submitter. Criteria: ACMG Guidelines, 2015. Collection method: clinical testing. Allele origin: germline.

Labcorp Genetics (formerly Invitae), Labcorp
Classification: Likely pathogenic. Last evaluated: 2023-03-08. Review status: criteria provided, single submitter. Criteria: Invitae Variant Classification Sherloc (09022015). Collection method: clinical testing. Allele origin: germline.
Comment: This sequence change affects a donor splice site in intron 64 of the LRP2 gene. It is expected to disrupt RNA splicing. Variants that disrupt the donor or acceptor splice site typically lead to a loss of protein function (PMID: 16199547), and loss-of-function variants in LRP2 are known to be pathogenic (PMID: 17632512, 25682901). This variant is present in population databases (no rsID available, gnomAD 0.0009%). This variant has not been reported in the literature in individuals affected with LRP2-related conditions. Algorithms developed to predict the effect of sequence changes on RNA splicing suggest that this variant may disrupt the consensus splice site. In summary, the currently available evidence indicates that the variant is pathogenic, but additional data are needed to prove that conclusively. Therefore, this variant has been classified as Likely Pathogenic.

Literature cited by the submitters: PubMed 16199547 (cited by Labcorp Genetics (formerly Invitae), Labcorp); PubMed 17632512 (cited by Labcorp Genetics (formerly Invitae), Labcorp); PubMed 25682901 (cited by Labcorp Genetics (formerly Invitae), Labcorp).

NM_004525.3(LRP2):c.12019+1G>A

Gene: LRP2 (LDL receptor related protein 2; minus strand). Cytogenetic location: 2q31.1.
Variant type: single nucleotide variant.
Coding change: c.12019+1G>A on transcript NM_004525.3 (MANE Select); the canonical splice donor site of the intron after coding-DNA position 12019, G replaced by A.
Molecular consequence: splice donor variant.
Genome position (GRCh38, 1-based): chr2:169,157,370, C>T on the plus strand (G>A on the coding strand, the complement: LRP2 is on the minus strand). VCF-style: chr2-169157370-C-T. GRCh37 (hg19) VCF-style: chr2-170013880-C-T.
Identifiers: ClinVar variation 2838129 (VCV002838129.4), dbSNP rs1188601783, ClinGen allele CA349138207.